The following is an entry in ClinVar:

ClinVar aggregate classification (germline): Pathogenic/Likely pathogenic. Review status: criteria provided, multiple submitters, no conflicts (2 of 4 stars). 6 submissions from 6 submitters: Pathogenic (3); Likely pathogenic (3). Last evaluated 2026-01-06.

Conditions:
Smith-Lemli-Opitz syndrome (SLOS). Also called: 7-Dehydrocholesterol reductase deficiency; POLYDACTYLY, SEX REVERSAL, RENAL HYPOPLASIA, AND UNILOBAR LUNG; RSH SYNDROME; RUTLEDGE LETHAL MULTIPLE CONGENITAL ANOMALY SYNDROME; LETHAL ACRODYSGENITAL SYNDROME. Identifiers: Orphanet 818, MedGen C0175694, MONDO:0010035, OMIM 270400.
DHCR7-related disorder. Also called: DHCR7-related condition.

gnomAD v4.1: 31 of 1,610,856 alleles (0.0019%); highest among the groups gnomAD compares: Non-Finnish European, 0.0024%; no homozygotes.

Submissions (6):

PreventionGenetics, part of Exact Sciences
Classification: Pathogenic for DHCR7-related condition. Last evaluated: 2026-01-06. Review status: criteria provided, single submitter. Criteria: ACMG Guidelines, 2015. Collection method: clinical testing. Allele origin: germline.
Comment: The DHCR7 c.1228G>C variant is predicted to result in the amino acid substitution p.Gly410Arg. This variant was reported in compound heterozygosity in one patient with clinical and biochemical features consistent with Smith-Lemli-Opitz syndrome (Patient 13, Donoghue SE et al 2018. PubMed ID: 29455191). At least another patient with Smith-Lemli-Optiz syndrome has been reported with this variant. However, it is unclear if this patient was compound heterozygous for another DHCR7 variant. This variant is located in the transmembrane domain, where a large number of missense have been reported (Witsch-Baumgartner et al. 2000. PubMed ID: 10677299). Another pathogenic substitution affecting this residue has also been reported in the literature (Witsch-Baumgartner et al. 2000. PubMed ID: 10677299, Fitzky et al. 1998. PubMed ID: 9653161). This variant is reported in 0.0065% of alleles in individuals of European (Non-Finnish) descent in gnomAD. This variant is interpreted as pathogenic.

Natera, Inc.
Classification: Likely pathogenic for Smith-Lemli-Opitz syndrome. Last evaluated: 2025-06-30. Review status: criteria provided, single submitter. Criteria: Natera Variant Classification Schema (03/2026). Collection method: clinical testing. Allele origin: germline.
Comment: The c.1228G>C variant in DHCR7 is a missense variant predicted to cause substitution of glycine to arginine at amino acid 410. This variant is rare in the general population with a frequency below the threshold expected for the associated phenotype(s). This variant has been identified in one or more affected individuals with a phenotype highly consistent with the associated gene (PMID: 29455191). A different variant at the same position has been determined to be Pathogenic or Likely Pathogenic. Computational prediction algorithms indicate this variant is likely to affect gene or protein function. Given the available evidence, this variant is classified as Likely Pathogenic.

Fulgent Genetics
Classification: Likely pathogenic for Smith-Lemli-Opitz syndrome. Last evaluated: 2024-04-18. Review status: criteria provided, single submitter. Criteria: ACMG Guidelines, 2015. Collection method: clinical testing. Allele origin: germline.

Labcorp Genetics (formerly Invitae), Labcorp
Classification: Pathogenic for Smith-Lemli-Opitz syndrome. Last evaluated: 2023-12-01. Review status: criteria provided, single submitter. Criteria: Invitae Variant Classification Sherloc (09022015). Collection method: clinical testing. Allele origin: germline.
Comment: This sequence change replaces glycine, which is neutral and non-polar, with arginine, which is basic and polar, at codon 410 of the DHCR7 protein (p.Gly410Arg). This variant is present in population databases (no rsID available, gnomAD 0.007%). This missense change has been observed in individual(s) with Smith-Lemli-Opitz syndrome (PMID: 10677299, 29455191). ClinVar contains an entry for this variant (Variation ID: 1457187). Advanced modeling of protein sequence and biophysical properties (such as structural, functional, and spatial information, amino acid conservation, physicochemical variation, residue mobility, and thermodynamic stability) performed at Invitae indicates that this missense variant is expected to disrupt DHCR7 protein function with a positive predictive value of 95%. This variant disrupts the p.Gly410 amino acid residue in DHCR7. Other variant(s) that disrupt this residue have been determined to be pathogenic (PMID: 9653161, 12818773, 15896653). This suggests that this residue is clinically significant, and that variants that disrupt this residue are likely to be disease-causing. For these reasons, this variant has been classified as Pathogenic.

Women's Health and Genetics/Laboratory Corporation of America, LabCorp
Classification: Likely pathogenic for Smith-Lemli-Opitz syndrome. Last evaluated: 2022-12-02. Review status: criteria provided, single submitter. Criteria: LabCorp Variant Classification Summary - May 2015. Collection method: clinical testing. Allele origin: germline.
Comment: Variant summary: DHCR7 c.1228G>C (p.Gly410Arg) results in a non-conservative amino acid change in the encoded protein sequence within a transmembrane domain (Witsch-Baumgartner_2000). A known pathogenic variant affects the same nucleotide/amino acid (c.1228G>A (p.Gly410Ser), providing moderate evidence for pathogenicity. Five of five in-silico tools predict a damaging effect of the variant on protein function. The variant was absent in 246180 control chromosomes. c.1228G>C has been reported in the literature in individuals affected with Smith-Lemli-Opitz Syndrome (Witsch-Baumgartner_2000, Donoghue_2018), including a patient reported as compound heterozygote with a known pathogenic variant. These data indicate that the variant is likely to be associated with disease. To our knowledge, no experimental evidence demonstrating an impact on protein function has been reported. One clinical diagnostic laboratory has submitted clinical-significance assessments for this variant to ClinVar after 2014 without evidence for independent evaluation, classifying the variant as pathogenic. Based on the evidence outlined above, the variant was classified as likely pathogenic.

Victorian Clinical Genetics Services, Murdoch Childrens Research Institute
Classification: Pathogenic for Smith-Lemli-Opitz syndrome. Last evaluated: 2021-05-06. Review status: criteria provided, single submitter. Criteria: ACMG Guidelines, 2015. Collection method: clinical testing. Allele origin: germline. Inheritance: Autosomal recessive inheritance. Affected: yes.
Comment: Based on the classification scheme VCGS_Germline_v1.3.4, this variant is classified as Pathogenic. Following criteria are met: 0102 - Loss of function is a known mechanism of disease in this gene and is associated with Smith-Lemli-Opitz syndrome (MIM#270400). (I) 0106 - This gene is associated with autosomal recessive disease. (I) 0200 - Variant is predicted to result in a missense amino acid change from glycine to arginine. (I) 0251 - This variant is heterozygous. (I) 0302 - Variant is present in gnomAD (v2) <0.001 for a dominant condition (1 heterozygote, 0 homozygotes). (SP) 0309 - An alternative amino acid change at the same position has been observed in gnomAD (v2) (18 heterozygotes, 0 homozygotes). (I) 0501 - Missense variant consistently predicted to be damaging by multiple in silico tools or highly conserved with a major amino acid change. (SP) 0600 - Variant is located in the annotated 4th cytoplamic loop of the transmembrane domain (PMID: 10677299). (I) 0703 - Another missense variant comparable to the one identified in this case has moderate previous evidence for pathogenicity. A different variant in the same codon resulting in a change to a serine has been reported in multiple individuals with Smith-Lemli-Opitz syndrome (ClinVar). (SP) 0803 - This variant has limited previous evidence of pathogenicity in unrelated individuals. This variant has been previously reported in two individuals with Smith-Lemli-Opitz syndrome (PMID: 10677299, PMID: 29455191). (SP) 1002 - This variant has moderate functional evidence supporting abnormal protein function. Functional studies show that this variant reduces protein expression. (I) Legend: (SP) - Supporting pathogenic, (I) - Information, (SB) - Supporting benign

Literature cited by the submitters: PubMed 29455191 (cited by 4 submitters); PubMed 10677299 (cited by 3 submitters); PubMed 9653161 (cited by Labcorp Genetics (formerly Invitae), Labcorp); PubMed 12818773 (cited by Labcorp Genetics (formerly Invitae), Labcorp); PubMed 15896653 (cited by Labcorp Genetics (formerly Invitae), Labcorp); PubMed 11175299 (cited by Women's Health and Genetics/Laboratory Corporation of America, LabCorp).

NM_001360.3(DHCR7):c.1228G>C (p.Gly410Arg)

Gene: DHCR7 (7-dehydrocholesterol reductase; minus strand). Cytogenetic location: 11q13.4.
Variant type: single nucleotide variant.
Coding change: c.1228G>C on transcript NM_001360.3 (MANE Select); coding-DNA position 1228, G replaced by C.
Protein change: p.Gly410Arg; replaces glycine 410 with arginine.
Molecular consequence: missense variant.
Genome position (GRCh38, 1-based): chr11:71,435,575, C>G on the plus strand (G>C on the coding strand, the complement: DHCR7 is on the minus strand). VCF-style: chr11-71435575-C-G. GRCh37 (hg19) VCF-style: chr11-71146621-C-G.
Other names: c.1228G>C, p.Gly410Arg (NM_001163817.2); short protein forms G410R.
Identifiers: ClinVar variation 1457187 (VCV001457187.13), dbSNP rs80338862, ClinGen allele CA381701371.